The following is an entry in ClinVar:

NM_004972.4(JAK2):c.1428T>A (p.Asp476Glu)

Genes: INSL6 (insulin like 6; minus strand), JAK2 (Janus kinase 2; plus strand). Cytogenetic location: 9p24.1.
Variant type: single nucleotide variant.
Coding change: c.1428T>A on transcript NM_004972.4 (MANE Select); coding-DNA position 1428, T replaced by A.
Protein change: p.Asp476Glu; replaces aspartic acid 476 with glutamic acid.
Molecular consequence: missense variant. On other transcripts: non-coding transcript variant (2).
Genome position (GRCh38, 1-based): chr9:5,069,123, T>A. VCF-style: chr9-5069123-T-A. GRCh37 (hg19) VCF-style: chr9-5069123-T-A.
Other names: c.1428T>A, p.Asp476Glu (NM_001322194.2, NM_001322195.2, NM_001322196.2); c.213T>A, p.Asp71Glu (NM_001322198.2, NM_001322199.2); c.981T>A, p.Asp327Glu (NM_001322204.2); short protein forms D327E, D71E, D476E.
Identifiers: ClinVar variation 2881033 (VCV002881033.3), dbSNP rs2489028326, ClinGen allele CA372824994.

ClinVar aggregate classification (germline): Uncertain significance (1 of 4 stars; one submission).

Allele frequency attached by ClinVar (database versions not stated): gnomAD exomes below 0.00001.
gnomAD v4.1: 6 of 1,613,018 alleles (0.00037%); highest among the groups gnomAD compares: African/African-American, 0.0067%; no homozygotes.

Submission:

Labcorp Genetics (formerly Invitae), Labcorp
Classification: Uncertain significance. Last evaluated: 2024-03-11. Review status: criteria provided, single submitter. Criteria: Invitae Variant Classification Sherloc (09022015). Collection method: clinical testing. Allele origin: germline.
Comment: This sequence change replaces aspartic acid, which is acidic and polar, with glutamic acid, which is acidic and polar, at codon 476 of the JAK2 protein (p.Asp476Glu). This variant is not present in population databases (gnomAD no frequency). This variant has not been reported in the literature in individuals affected with JAK2-related conditions. Advanced modeling of protein sequence and biophysical properties (such as structural, functional, and spatial information, amino acid conservation, physicochemical variation, residue mobility, and thermodynamic stability) performed at Invitae indicates that this missense variant is not expected to disrupt JAK2 protein function with a negative predictive value of 80%. In summary, the available evidence is currently insufficient to determine the role of this variant in disease. Therefore, it has been classified as a Variant of Uncertain Significance.